The following is an entry in ClinVar:

NM_001378183.1(PIEZO2):c.6190C>T (p.Leu2064Phe)

Gene: PIEZO2 (piezo type mechanosensitive ion channel component 2; minus strand). Cytogenetic location: 18p11.22.
Variant type: single nucleotide variant.
Coding change: c.6190C>T on transcript NM_001378183.1 (MANE Select); coding-DNA position 6190, C replaced by T.
Protein change: p.Leu2064Phe; replaces leucine 2064 with phenylalanine.
Molecular consequence: missense variant.
Genome position (GRCh38, 1-based): chr18:10,704,462, G>A on the plus strand (C>T on the coding strand, the complement: PIEZO2 is on the minus strand). VCF-style: chr18-10704462-G-A. GRCh37 (hg19) VCF-style: chr18-10704460-G-A.
Other names: c.5926C>T, p.Leu1976Phe (NM_001410871.1); c.5851C>T, p.Leu1951Phe (NM_022068.4); short protein forms L1951F, L1976F, L2064F.
Identifiers: ClinVar variation 4849190 (VCV004849190.1).

ClinVar aggregate classification (germline): Uncertain significance (1 of 4 stars; one submission).

gnomAD v4.1: 1 of 1,537,270 alleles (0.000065%); highest among the groups gnomAD compares: Non-Finnish European, 0.000087%; no homozygotes.

Submission:

Women's Health and Genetics/Laboratory Corporation of America, LabCorp
Classification: Uncertain significance. Last evaluated: 2026-04-21. Review status: criteria provided, single submitter. Criteria: LabCorp Variant Classification Summary - May 2015. Collection method: clinical testing. Allele origin: germline.
Comment: Variant summary: PIEZO2 c.5851C>T (p.Leu1951Phe) results in a non-conservative amino acid change in the encoded protein sequence. Algorithms developed to predict the effect of missense changes on protein structure and function are either unavailable or do not agree on the potential impact of this missense change. The variant allele was found at a frequency of 7e-06 in 141924 control chromosomes. The available data on variant occurrences in the general population are insufficient to allow any conclusion about variant significance. To our knowledge, no occurrence of c.5851C>T in individuals affected with PIEZO2-related conditions and no experimental evidence demonstrating its impact on protein function have been reported. No submitters have cited clinical-significance assessments for this variant to ClinVar. Based on the evidence outlined above, the variant was classified as uncertain significance.